The following is an entry in ClinVar:

ClinVar aggregate classification (germline): Likely benign. Review status: criteria provided, multiple submitters, no conflicts (2 of 4 stars). 3 submissions from 3 submitters: Likely benign (2). 1 of the submissions does not count toward it. Last evaluated 2025-10-01.

Conditions:
DNMT3A-related disorder. Also called: DNMT3A-related disorders; DNMT3A-related condition.
Inborn genetic diseases. Identifiers: MedGen C0950123, MeSH D030342.
Tatton-Brown-Rahman overgrowth syndrome. Also called: Tatton-Brown-Rahman syndrome; Tall stature-intellectual disability-facial dysmorphism syndrome. Identifiers: Orphanet 404443, MedGen C4014545, MONDO:0014382, OMIM 615879.

Allele frequency attached by ClinVar (database versions not stated): gnomAD exomes below 0.00001; gnomAD 0.00001; TOPMed 0.00002.
gnomAD v4.1: 4 of 1,613,824 alleles (0.00025%); highest among the groups gnomAD compares: Non-Finnish European, 0.00034%; no homozygotes.

Submissions (3):

Labcorp Genetics (formerly Invitae), Labcorp
Classification: Likely benign for Tatton-Brown-Rahman overgrowth syndrome. Last evaluated: 2025-10-01. Review status: criteria provided, single submitter. Criteria: Invitae Variant Classification Sherloc (09022015). Collection method: clinical testing. Allele origin: germline.

Ambry Genetics
Classification: Likely benign for Inborn genetic diseases. Last evaluated: 2025-02-21. Review status: criteria provided, single submitter. Criteria: Ambry Variant Classification Scheme 2023. Collection method: clinical testing. Allele origin: germline.

PreventionGenetics, part of Exact Sciences
Classification: Likely benign for DNMT3A-related condition. Last evaluated: 2023-02-13. Review status: no assertion criteria provided. Collection method: clinical testing. Allele origin: germline. Not counted in ClinVar's aggregate classification.
Comment: This variant is classified as likely benign based on ACMG/AMP sequence variant interpretation guidelines (Richards et al. 2015 PMID: 25741868, with internal and published modifications).

NM_022552.5(DNMT3A):c.2625T>C (p.Thr875=)

Gene: DNMT3A (DNA methyltransferase 3 alpha; minus strand). Cytogenetic location: 2p23.3.
Variant type: single nucleotide variant.
Coding change: c.2625T>C on transcript NM_022552.5 (MANE Select); coding-DNA position 2625, T replaced by C.
Protein change: p.Thr875=; no amino-acid change (threonine 875 retained).
Molecular consequence: synonymous variant. On other transcripts: non-coding transcript variant (1).
Genome position (GRCh38, 1-based): chr2:25,234,393, A>G on the plus strand (T>C on the coding strand, the complement: DNMT3A is on the minus strand). VCF-style: chr2-25234393-A-G. GRCh37 (hg19) VCF-style: chr2-25457262-A-G.
Other names: c.2169T>C, p.Thr723= (NM_001320893.1); c.1956T>C, p.Thr652= (NM_001375819.1); c.2058T>C, p.Thr686= (NM_153759.3); c.2625T>C, p.Thr875= (NM_175629.2); c.2625T>C (NM_022552.3).
Identifiers: ClinVar variation 3031643 (VCV003031643.5), dbSNP rs1673110832, ClinGen allele CA425180892.